The following is an entry in ClinVar:

NM_001375524.1(TRRAP):c.7969G>T (p.Gly2657Cys)

Gene: TRRAP (transformation/transcription domain associated protein; plus strand). Cytogenetic location: 7q22.1.
Variant type: single nucleotide variant.
Coding change: c.7969G>T on transcript NM_001375524.1 (MANE Select); coding-DNA position 7969, G replaced by T.
Protein change: p.Gly2657Cys; replaces glycine 2657 with cysteine.
Molecular consequence: missense variant.
Genome position (GRCh38, 1-based): chr7:98,976,492, G>T. VCF-style: chr7-98976492-G-T. GRCh37 (hg19) VCF-style: chr7-98574115-G-T.
Other names: c.7948G>T, p.Gly2650Cys (NM_001244580.2); c.7894G>T, p.Gly2632Cys (NM_003496.4); short protein forms G2632C, G2650C, G2657C.
Identifiers: ClinVar variation 2579861 (VCV002579861.1), dbSNP rs2484947630, ClinGen allele CA368301877.

ClinVar aggregate classification (germline): Uncertain significance (1 of 4 stars; one submission).

Allele frequency attached by ClinVar (database versions not stated): gnomAD exomes below 0.00001.
gnomAD v4.1: 1 of 1,608,924 alleles (0.000062%); highest among the groups gnomAD compares: East Asian, 0.0022%; no homozygotes.

Submission:

GeneDx
Classification: Uncertain significance. Last evaluated: 2023-03-16. Review status: criteria provided, single submitter. Criteria: GeneDx Variant Classification Process June 2021. Collection method: clinical testing. Allele origin: germline. Affected: yes.
Comment: Not observed at significant frequency in large population cohorts (gnomAD); In silico analysis supports that this missense variant has a deleterious effect on protein structure/function; Has not been previously published as pathogenic or benign to our knowledge